The following is an entry in ClinVar:

NM_001292034.3(TAB2):c.82G>A (p.Val28Ile)

Gene: TAB2 (TGF-beta activated kinase 1 (MAP3K7) binding protein 2; plus strand). Cytogenetic location: 6q25.1.
Variant type: single nucleotide variant.
Coding change: c.82G>A on transcript NM_001292034.3 (MANE Select); coding-DNA position 82, G replaced by A.
Protein change: p.Val28Ile; replaces valine 28 with isoleucine.
Molecular consequence: missense variant. On other transcripts: intron variant (1).
Genome position (GRCh38, 1-based): chr6:149,370,079, G>A. VCF-style: chr6-149370079-G-A. GRCh37 (hg19) VCF-style: chr6-149691215-G-A.
Other names: c.82G>A, p.Val28Ile (NM_001369506.1, NM_015093.6); c.7-7939G>A (NM_001292035.3); short protein forms V28I.
Identifiers: ClinVar variation 1710651 (VCV001710651.2), dbSNP rs2483348448, ClinGen allele CA366002538.

ClinVar aggregate classification (germline): Uncertain significance (1 of 4 stars; one submission).

Allele frequency attached by ClinVar (database versions not stated): gnomAD exomes below 0.00001.
gnomAD v4.1: 3 of 1,613,968 alleles (0.00019%); highest among the groups gnomAD compares: Non-Finnish European, 0.00025%; no homozygotes.

Submission:

GeneDx
Classification: Uncertain significance. Last evaluated: 2022-04-15. Review status: criteria provided, single submitter. Criteria: GeneDx Variant Classification Process June 2021. Collection method: clinical testing. Allele origin: germline. Affected: yes.
Comment: Has not been previously published as pathogenic or benign to our knowledge; Not observed at significant frequency in large population cohorts (gnomAD); In silico analysis supports that this missense variant does not alter protein structure/function